The following is an entry in ClinVar:

ClinVar aggregate classification (germline): Uncertain significance. Review status: criteria provided, multiple submitters, no conflicts (2 of 4 stars). 2 submissions from 2 submitters: Uncertain significance (2). Last evaluated 2025-05-04.

Conditions:
CHARGE syndrome (CHARGE). Also called: Hittner Hirsch Kreh syndrome; CHARGE ASSOCIATION--COLOBOMA, HEART ANOMALY, CHOANAL ATRESIA, RETARDATION, GENITAL AND EAR ANOMALIES; Coloboma, heart anomaly, choanal atresia, retardation, genital and ear anomalies; CHARGE association; Hall-Hittner syndrome. Identifiers: Orphanet 138, MedGen C0265354, MONDO:0008965.

gnomAD v4.1: 3 of 1,613,554 alleles (0.00019%); highest among the groups gnomAD compares: Non-Finnish European, 0.00025%; no homozygotes.

Submissions (2):

Labcorp Genetics (formerly Invitae), Labcorp
Classification: Uncertain significance for CHARGE syndrome. Last evaluated: 2025-05-04. Review status: criteria provided, single submitter. Criteria: Invitae Variant Classification Sherloc (09022015). Collection method: clinical testing. Allele origin: germline.
Comment: This sequence change replaces aspartic acid, which is acidic and polar, with asparagine, which is neutral and polar, at codon 2590 of the CHD7 protein (p.Asp2590Asn). This variant is present in population databases (no rsID available, gnomAD 0.0009%). This variant has not been reported in the literature in individuals affected with CHD7-related conditions. ClinVar contains an entry for this variant (Variation ID: 3337911). Invitae Evidence Modeling of protein sequence and biophysical properties (such as structural, functional, and spatial information, amino acid conservation, physicochemical variation, residue mobility, and thermodynamic stability) has been performed for this missense variant. However, the output from this modeling did not meet the statistical confidence thresholds required to predict the impact of this variant on CHD7 protein function. In summary, the available evidence is currently insufficient to determine the role of this variant in disease. Therefore, it has been classified as a Variant of Uncertain Significance.

Clinical Genetics Laboratory, Skane University Hospital Lund
Classification: Uncertain significance. Last evaluated: 2022-05-27. Review status: criteria provided, single submitter. Criteria: ACMG Guidelines, 2015. Collection method: clinical testing. Allele origin: germline. Affected: yes.

NM_017780.4(CHD7):c.7768G>A (p.Asp2590Asn)

Gene: CHD7 (chromodomain helicase DNA binding protein 7; plus strand). Cytogenetic location: 8q12.2.
Variant type: single nucleotide variant.
Coding change: c.7768G>A on transcript NM_017780.4 (MANE Select); coding-DNA position 7768, G replaced by A.
Protein change: p.Asp2590Asn; replaces aspartic acid 2590 with asparagine.
Molecular consequence: missense variant. On other transcripts: intron variant (1).
Genome position (GRCh38, 1-based): chr8:60,861,063, G>A. VCF-style: chr8-60861063-G-A. GRCh37 (hg19) VCF-style: chr8-61773622-G-A.
Other names: c.1717-1166G>A (NM_001316690.1); short protein forms D2590N.
Identifiers: ClinVar variation 3337911 (VCV003337911.3).